The following is an entry in ClinVar:

ClinVar aggregate classification (germline): Benign/Likely benign. Review status: criteria provided, multiple submitters, no conflicts (2 of 4 stars). 3 submissions from 3 submitters: Benign (1); Likely benign (1). 1 of the submissions does not count toward it. Last evaluated 2026-01-24.

Allele frequency attached by ClinVar (database versions not stated): gnomAD 0.00019 and 0.00033; ExAC 0.00051; TOPMed 0.00077; 1000 Genomes Project 0.00160; 1000 Genomes Project 30x 0.00172.
gnomAD v4.1: 561 of 1,613,836 alleles (0.035%); highest among the groups gnomAD compares: East Asian, 1.2%; 3 homozygotes.

Submissions (3):

Labcorp Genetics (formerly Invitae), Labcorp
Classification: Benign. Last evaluated: 2026-01-24. Review status: criteria provided, single submitter. Criteria: Invitae Variant Classification Sherloc (09022015). Collection method: clinical testing. Allele origin: germline.

CeGaT Center for Human Genetics Tuebingen
Classification: Likely benign. Last evaluated: 2020-05-01. Review status: criteria provided, single submitter. Criteria: CeGaT Center For Human Genetics Tuebingen Variant Classification Criteria Version 2. Collection method: clinical testing. Allele origin: germline. Affected: yes. Observed: 1 variant allele.

ITMI
No classification provided. Condition: AllHighlyPenetrant. Last evaluated: 2013-09-19. Review status: no classification provided. Collection method: reference population. Allele origin: germline. Not counted in ClinVar's aggregate classification.
Comment: Please see associated publication for description of ethnicities

Literature cited by the submitters: PubMed 24728327 (cited by ITMI).

NM_004448.4(ERBB2):c.428G>A (p.Arg143Gln)

Gene: ERBB2 (erb-b2 receptor tyrosine kinase 2; plus strand). Cytogenetic location: 17q12.
Variant type: single nucleotide variant.
Coding change: c.428G>A on transcript NM_004448.4 (MANE Select); coding-DNA position 428, G replaced by A.
Protein change: p.Arg143Gln; replaces arginine 143 with glutamine.
Molecular consequence: missense variant. On other transcripts: non-coding transcript variant (1), intron variant (1).
Genome position (GRCh38, 1-based): chr17:39,708,523, G>A. VCF-style: chr17-39708523-G-A. GRCh37 (hg19) VCF-style: chr17-37864776-G-A.
Other names: c.338G>A, p.Arg113Gln (NM_001005862.3, NM_001289938.2, NM_001382782.1 and 1 more transcripts); c.383G>A, p.Arg128Gln (NM_001289936.2); c.428G>A, p.Arg143Gln (NM_001289937.2, NM_001382784.1, NM_001382785.1 and 19 more transcripts); c.419G>A, p.Arg140Gln (NM_001382791.1); c.74-3405G>A (NM_001382804.1); short protein forms R113Q, R143Q, R128Q, R140Q.
Identifiers: ClinVar variation 134090 (VCV000134090.47), dbSNP rs185670819, ClinGen allele CA158725.
Genomic context (GRCh38, chr17:39,708,523, plus strand): 5'-TGAACAATACCACCCCTGTCACAGGGGCCTCCCCAGGAGGCCTGCGGGAGCTGCAGCTTC[G>A]AAGCCTCACAGGTGGCCTTCACCGTCATTGAAACCTTCTCTTGGTTATTCAGAGCTGACC-3'
Protein context (NP_004439.2, residues 133-153): SPGGLRELQL[Arg143Gln]SLTEILKGGV